The following is an entry in ClinVar:

ClinVar aggregate classification (germline): Uncertain significance (1 of 4 stars; one submission).

Conditions:
Familial sleep-related hypermotor epilepsy. Also called: Autosomal Dominant Sleep-Related Hypermotor (Hyperkinetic) Epilepsy. Identifiers: Orphanet 98784, MedGen C3696898, MONDO:0000030.

Submission:

Labcorp Genetics (formerly Invitae), Labcorp
Classification: Uncertain significance for Familial sleep-related hypermotor epilepsy. Last evaluated: 2022-12-02. Review status: criteria provided, single submitter. Criteria: Invitae Variant Classification Sherloc (09022015). Collection method: clinical testing. Allele origin: germline.
Comment: In summary, the available evidence is currently insufficient to determine the role of this variant in disease. Therefore, it has been classified as a Variant of Uncertain Significance. Algorithms developed to predict the effect of missense changes on protein structure and function are either unavailable or do not agree on the potential impact of this missense change (SIFT: "Deleterious"; PolyPhen-2: "Probably Damaging"; Align-GVGD: "Class C0"). ClinVar contains an entry for this variant (Variation ID: 1520943). This variant has not been reported in the literature in individuals affected with PRIMA1-related conditions. This variant is not present in population databases (gnomAD no frequency). This sequence change replaces alanine, which is neutral and non-polar, with proline, which is neutral and non-polar, at codon 151 of the PRIMA1 protein (p.Ala151Pro).

NM_178013.4(PRIMA1):c.451G>C (p.Ala151Pro)

Gene: PRIMA1 (proline rich membrane anchor 1; minus strand). Cytogenetic location: 14q32.12.
Variant type: single nucleotide variant.
Coding change: c.451G>C on transcript NM_178013.4 (MANE Select); coding-DNA position 451, G replaced by C.
Protein change: p.Ala151Pro; replaces alanine 151 with proline.
Molecular consequence: missense variant.
Genome position (GRCh38, 1-based): chr14:93,721,455, C>G on the plus strand (G>C on the coding strand, the complement: PRIMA1 is on the minus strand). VCF-style: chr14-93721455-C-G. GRCh37 (hg19) VCF-style: chr14-94187801-C-G.
Other names: short protein forms A151P.
Identifiers: ClinVar variation 1520943 (VCV001520943.8), dbSNP rs200782279, ClinGen allele CA390819138.